The following is an entry in ClinVar:

NM_001367624.2(ZNF469):c.10436T>C (p.Met3479Thr)

Gene: ZNF469 (zinc finger protein 469; plus strand). Cytogenetic location: 16q24.2.
Variant type: single nucleotide variant.
Coding change: c.10436T>C on transcript NM_001367624.2 (MANE Select); coding-DNA position 10436, T replaced by C.
Protein change: p.Met3479Thr; replaces methionine 3479 with threonine.
Molecular consequence: missense variant.
Genome position (GRCh38, 1-based): chr16:88,437,906, T>C. VCF-style: chr16-88437906-T-C. GRCh37 (hg19) VCF-style: chr16-88504314-T-C.
Other names: NM_001127464.1:c.10352T>C; short protein forms M3479T.
Identifiers: ClinVar variation 2624538 (VCV002624538.2), dbSNP rs1906712799, ClinGen allele CA397126974.

ClinVar aggregate classification (germline): Uncertain significance (1 of 4 stars; one submission).

Conditions:
Cardiovascular phenotype. Identifiers: MedGen CN230736.

Allele frequency attached by ClinVar (database versions not stated): gnomAD exomes below 0.00001; gnomAD 0.00001.
gnomAD v4.1: 6 of 1,539,288 alleles (0.00039%); highest among the groups gnomAD compares: African/African-American, 0.0014%; no homozygotes.

Submission:

Ambry Genetics
Classification: Uncertain significance for Cardiovascular phenotype. Last evaluated: 2023-06-19. Review status: criteria provided, single submitter. Criteria: Ambry Variant Classification Scheme 2023. Collection method: clinical testing. Allele origin: germline.
Comment: The p.M3451T variant (also known as c.10352T>C), located in coding exon 2 of the ZNF469 gene, results from a T to C substitution at nucleotide position 10352. The methionine at codon 3451 is replaced by threonine, an amino acid with similar properties. This amino acid position is conserved. In addition, this alteration is predicted to be tolerated by in silico analysis. Since supporting evidence is limited at this time, the clinical significance of this alteration remains unclear.